The following is an entry in ClinVar:

ClinVar aggregate classification (germline): Uncertain significance (1 of 4 stars; one submission).

Allele frequency attached by ClinVar (database versions not stated): ExAC 0.00001.
gnomAD v4.1: 5 of 1,612,572 alleles (0.00031%); highest among the groups gnomAD compares: South Asian, 0.0055%; no homozygotes.

Submission:

Labcorp Genetics (formerly Invitae), Labcorp
Classification: Uncertain significance. Last evaluated: 2024-10-30. Review status: criteria provided, single submitter. Criteria: Invitae Variant Classification Sherloc (09022015). Collection method: clinical testing. Allele origin: germline.
Comment: This sequence change replaces proline, which is neutral and non-polar, with threonine, which is neutral and polar, at codon 1338 of the DUOX2 protein (p.Pro1338Thr). This variant is present in population databases (rs766677894, gnomAD 0.01%). This variant has not been reported in the literature in individuals affected with DUOX2-related conditions. ClinVar contains an entry for this variant (Variation ID: 3012685). Invitae Evidence Modeling of protein sequence and biophysical properties (such as structural, functional, and spatial information, amino acid conservation, physicochemical variation, residue mobility, and thermodynamic stability) indicates that this missense variant is expected to disrupt DUOX2 protein function with a positive predictive value of 80%. In summary, the available evidence is currently insufficient to determine the role of this variant in disease. Therefore, it has been classified as a Variant of Uncertain Significance.

NM_001363711.2(DUOX2):c.4012C>A (p.Pro1338Thr)

Gene: DUOX2 (dual oxidase 2; minus strand). Cytogenetic location: 15q21.1.
Variant type: single nucleotide variant.
Coding change: c.4012C>A on transcript NM_001363711.2 (MANE Select); coding-DNA position 4012, C replaced by A.
Protein change: p.Pro1338Thr; replaces proline 1338 with threonine.
Molecular consequence: missense variant.
Genome position (GRCh38, 1-based): chr15:45,095,896, G>T on the plus strand (C>A on the coding strand, the complement: DUOX2 is on the minus strand). VCF-style: chr15-45095896-G-T. GRCh37 (hg19) VCF-style: chr15-45388094-G-T.
Other names: c.4012C>A, p.Pro1338Thr (NM_014080.5); short protein forms P1338T.
Identifiers: ClinVar variation 3012685 (VCV003012685.3), dbSNP rs766677894, ClinGen allele CA7537666.